The following is an entry in ClinVar:

ClinVar aggregate classification (germline): Benign/Likely benign. Review status: criteria provided, multiple submitters, no conflicts (2 of 4 stars). 13 submissions from 10 submitters: Benign (6); Likely benign (4). 3 of the submissions do not count toward it. Last evaluated 2026-02-01.

Conditions:
TTN-related disorder. Also called: TTN-related disorders; TTN-related condition; TTN-related disease.
Autosomal recessive limb-girdle muscular dystrophy type 2J (LGMDR10). Also called: Limb-girdle muscular dystrophy, type 2J; MUSCULAR DYSTROPHY, LIMB-GIRDLE, AUTOSOMAL RECESSIVE 10. Identifiers: Orphanet 140922, MedGen C1837342, MONDO:0012127, OMIM 608807.
Dilated cardiomyopathy 1G (CMD1G). Identifiers: Orphanet 154, MedGen C1858763, MONDO:0011400, OMIM 604145.
Tibial muscular dystrophy (TMD). Also called: Tibial muscular dystrophy, tardive; UDD MYOPATHY; Udd Distal Myopathy – Tibial Muscular Dystrophy. Identifiers: Orphanet 609, MedGen C1838244, MONDO:0010870, OMIM 600334.
Early-onset myopathy with fatal cardiomyopathy (CMYO5). Also called: Salih Myopathy; CONGENITAL MYOPATHY 5 WITH CARDIOMYOPATHY. Identifiers: Orphanet 289377, MedGen C2673677, MONDO:0012714, OMIM 611705. Disease mechanism: loss of function.
Myopathy, myofibrillar, 9, with early respiratory failure (MFM9). Also called: MYOPATHY, PROXIMAL, WITH EARLY RESPIRATORY MUSCLE INVOLVEMENT; Hereditary myopathy with early respiratory failure; EDSTROM MYOPATHY; Myopathy, distal, with early respiratory failure, autosomal dominant. Identifiers: Orphanet 178464, Orphanet 34521, MedGen C1863599, MONDO:0011362, OMIM 603689.

Allele frequency attached by ClinVar (database versions not stated): gnomAD exomes 0.00020 and 0.00067; gnomAD 0.00194 and 0.00214; TOPMed 0.00224; ExAC 0.00235; 1000 Genomes Project 0.00260; 1000 Genomes Project 30x 0.00344.
gnomAD v4.1: 565 of 1,424,930 alleles (0.04%); highest among the groups gnomAD compares: African/African-American, 0.75%; 1 homozygote.

Submissions (14):

Labcorp Genetics (formerly Invitae), Labcorp
Classification: Benign for Dilated cardiomyopathy 1G; Autosomal recessive limb-girdle muscular dystrophy type 2J. Last evaluated: 2026-02-01. Review status: criteria provided, single submitter. Criteria: Invitae Variant Classification Sherloc (09022015). Collection method: clinical testing. Allele origin: germline.

ARUP Laboratories, Molecular Genetics and Genomics, ARUP Laboratories
Classification: Likely benign. Last evaluated: 2025-05-20. Review status: criteria provided, single submitter. Criteria: ARUP Molecular Germline Variant Investigation Process 2024. Collection method: clinical testing. Allele origin: germline.

Molecular Diagnostic Laboratory for Inherited Cardiovascular Disease, Montreal Heart Institute
Classification: Likely benign. Last evaluated: 2025-04-09. Review status: criteria provided, single submitter. Criteria: ACMG Guidelines, 2015. Collection method: clinical testing. Allele origin: germline. Affected: no.

Blueprint Genetics
Classification: Likely benign. Last evaluated: 2024-11-06. Review status: criteria provided, single submitter. Criteria: ACMG Guidelines, 2015. Collection method: clinical testing. Allele origin: germline.

Genome-Nilou Lab
Classification: Benign for Autosomal recessive limb-girdle muscular dystrophy type 2J. Last evaluated: 2021-09-10. Review status: criteria provided, single submitter. Criteria: ACMG Guidelines, 2015. Collection method: clinical testing. Allele origin: germline. Affected: no.

Genome-Nilou Lab
Classification: Benign for Myopathy, myofibrillar, 9, with early respiratory failure. Last evaluated: 2021-09-10. Review status: criteria provided, single submitter. Criteria: ACMG Guidelines, 2015. Collection method: clinical testing. Allele origin: germline. Affected: no.

Genome-Nilou Lab
Classification: Benign for Early-onset myopathy with fatal cardiomyopathy. Last evaluated: 2021-09-10. Review status: criteria provided, single submitter. Criteria: ACMG Guidelines, 2015. Collection method: clinical testing. Allele origin: germline. Affected: no.

Genome-Nilou Lab
Classification: Benign for Tibial muscular dystrophy. Last evaluated: 2021-09-10. Review status: criteria provided, single submitter. Criteria: ACMG Guidelines, 2015. Collection method: clinical testing. Allele origin: germline. Affected: no.

Athena Diagnostics
Classification: Benign. Last evaluated: 2018-12-27. Review status: criteria provided, single submitter. Criteria: Athena Diagnostics Criteria. Collection method: clinical testing. Allele origin: germline.

Breakthrough Genomics
Classification: Likely benign. Review status: criteria provided, single submitter. Criteria: ACMG Guidelines, 2015. Collection method: not provided. Allele origin: germline. Inheritance: Autosomal recessive inheritance. Affected: yes.

PreventionGenetics, part of Exact Sciences
Classification: Likely benign for TTN-related condition. Last evaluated: 2024-07-18. Review status: no assertion criteria provided. Collection method: clinical testing. Allele origin: germline. Not counted in ClinVar's aggregate classification.
Comment: This variant is classified as likely benign based on ACMG/AMP sequence variant interpretation guidelines (Richards et al. 2015 PMID: 25741868, with internal and published modifications).

Clinical Genetics, Academic Medical Center
Classification: Likely benign. Review status: no assertion criteria provided. Collection method: clinical testing. Allele origin: germline. Affected: yes. Study: VKGL Data-share Consensus. Not counted in ClinVar's aggregate classification.

Dr. Peter K. Rogan Lab, Western University
No classification provided (evidence only). Condition: Thymoma. Review status: no classification provided. Collection method: in vitro. Allele origin: not applicable. Functional consequence: retained intron. Not counted in ClinVar's aggregate classification.

Genome Diagnostics Laboratory, University Medical Center Utrecht
Classification: Likely benign. Review status: no assertion criteria provided. Collection method: clinical testing. Allele origin: germline. Affected: yes. Study: VKGL Data-share Consensus. Not counted in ClinVar's aggregate classification.

NM_001267550.2(TTN):c.34505G>T (p.Gly11502Val)

Gene: TTN (titin; minus strand). Cytogenetic location: 2q31.2.
Variant type: single nucleotide variant.
Coding change: c.34505G>T on transcript NM_001267550.2 (MANE Select); coding-DNA position 34505, G replaced by T.
Protein change: p.Gly11502Val; replaces glycine 11502 with valine.
Molecular consequence: missense variant. On other transcripts: intron variant (5).
Genome position (GRCh38, 1-based): chr2:178,675,703, C>A on the plus strand (G>T on the coding strand, the complement: TTN is on the minus strand). VCF-style: chr2-178675703-C-A. GRCh37 (hg19) VCF-style: chr2-179540430-C-A.
Other names: c.13283-33386G>T (NM_003319.4); c.13859-33386G>T (NM_133437.4); c.13658-33386G>T (NM_133432.3); c.30634+218G>T (NM_133378.4); c.33415+218G>T (NM_001256850.1); short protein forms G11502V.
Identifiers: ClinVar variation 405101 (VCV000405101.32), dbSNP rs190209925, ClinGen allele CA1998048.